The following is an entry in ClinVar:

NM_030957.4(ADAMTS10):c.2247G>A (p.Lys749=)

Gene: ADAMTS10 (ADAM metallopeptidase with thrombospondin type 1 motif 10; minus strand). Cytogenetic location: 19p13.2.
Variant type: single nucleotide variant.
Coding change: c.2247G>A on transcript NM_030957.4 (MANE Select); coding-DNA position 2247, G replaced by A.
Protein change: p.Lys749=; no amino-acid change (lysine 749 retained).
Molecular consequence: synonymous variant.
Genome position (GRCh38, 1-based): chr19:8,586,714, C>T on the plus strand (G>A on the coding strand, the complement: ADAMTS10 is on the minus strand). VCF-style: chr19-8586714-C-T. GRCh37 (hg19) VCF-style: chr19-8651598-C-T.
Other names: c.708G>A, p.Lys236= (NM_001282352.2).
Identifiers: ClinVar variation 2175245 (VCV002175245.6), dbSNP rs547295272, ClinGen allele CA9160153.

ClinVar aggregate classification (germline): Benign/Likely benign. Review status: criteria provided, multiple submitters, no conflicts (2 of 4 stars). 3 submissions from 3 submitters: Benign (1); Likely benign (2). Last evaluated 2026-08-01.

Allele frequency attached by ClinVar (database versions not stated): TOPMed 0.00002; gnomAD 0.00007; gnomAD exomes 0.00015; ExAC 0.00041; 1000 Genomes Project 30x 0.00141; 1000 Genomes Project 0.00160.
gnomAD v4.1: 244 of 1,613,338 alleles (0.015%); highest among the groups gnomAD compares: South Asian, 0.24%; 2 homozygotes.

Submissions (3):

CeGaT Center for Human Genetics Tuebingen
Classification: Likely benign. Last evaluated: 2026-08-01. Review status: criteria provided, single submitter. Criteria: CeGaT Center For Human Genetics Tuebingen Variant Classification Criteria Version 2. Collection method: clinical testing. Allele origin: germline. Affected: yes. Observed: 1 variant allele.
Comment: ADAMTS10: BP4, BP7

Labcorp Genetics (formerly Invitae), Labcorp
Classification: Benign. Last evaluated: 2026-01-18. Review status: criteria provided, single submitter. Criteria: Invitae Variant Classification Sherloc (09022015). Collection method: clinical testing. Allele origin: germline.

Blueprint Genetics
Classification: Likely benign. Last evaluated: 2024-10-04. Review status: criteria provided, single submitter. Criteria: ACMG Guidelines, 2015. Collection method: clinical testing. Allele origin: germline.